The following is an entry in ClinVar:

ClinVar aggregate classification (germline): Conflicting classifications of pathogenicity. Review status: criteria provided, conflicting classifications (1 of 4 stars). 2 submissions from 2 submitters: Uncertain significance (1); Likely benign (1). Last evaluated 2025-10-24.

Conditions:
Inborn genetic diseases. Identifiers: MedGen C0950123, MeSH D030342.

Allele frequency attached by ClinVar (database versions not stated): gnomAD 0.00001.
gnomAD v4.1: 8 of 1,613,792 alleles (0.0005%); highest among the groups gnomAD compares: Admixed American, 0.012%; no homozygotes.

Submissions (2):

Ambry Genetics
Classification: Likely benign for Inborn genetic diseases. Last evaluated: 2025-10-24. Review status: criteria provided, single submitter. Criteria: Ambry Variant Classification Scheme 2023. Collection method: clinical testing. Allele origin: germline.

Labcorp Genetics (formerly Invitae), Labcorp
Classification: Uncertain significance. Last evaluated: 2023-08-10. Review status: criteria provided, single submitter. Criteria: Invitae Variant Classification Sherloc (09022015). Collection method: clinical testing. Allele origin: germline.
Comment: Advanced modeling of protein sequence and biophysical properties (such as structural, functional, and spatial information, amino acid conservation, physicochemical variation, residue mobility, and thermodynamic stability) performed at Invitae indicates that this missense variant is not expected to disrupt COL4A2 protein function. This sequence change replaces proline, which is neutral and non-polar, with alanine, which is neutral and non-polar, at codon 437 of the COL4A2 protein (p.Pro437Ala). This variant is present in population databases (no rsID available, gnomAD 0.02%). This variant has not been reported in the literature in individuals affected with COL4A2-related conditions. ClinVar contains an entry for this variant (Variation ID: 1904620). In summary, the available evidence is currently insufficient to determine the role of this variant in disease. Therefore, it has been classified as a Variant of Uncertain Significance.

NM_001846.4(COL4A2):c.1309C>G (p.Pro437Ala)

Gene: COL4A2 (collagen type IV alpha 2 chain; plus strand). Cytogenetic location: 13q34.
Variant type: single nucleotide variant.
Coding change: c.1309C>G on transcript NM_001846.4 (MANE Select); coding-DNA position 1309, C replaced by G.
Protein change: p.Pro437Ala; replaces proline 437 with alanine.
Molecular consequence: missense variant.
Genome position (GRCh38, 1-based): chr13:110,450,424, C>G. VCF-style: chr13-110450424-C-G. GRCh37 (hg19) VCF-style: chr13-111102771-C-G.
Other names: c.1309C>G (NM_001846.2); short protein forms P437A.
Identifiers: ClinVar variation 1904620 (VCV001904620.6), dbSNP rs375372676, ClinGen allele CA256301938.